The following is an entry in ClinVar:

NM_000093.5(COL5A1):c.4751_4753delinsCGG (p.Arg1584_Arg1585delinsProGly)

Genes: COL5A1 (collagen type V alpha 1 chain; plus strand), LOC101448202 (uncharacterized LOC101448202; minus strand). Cytogenetic location: 9q34.3.
Variant type: Indel.
Coding change: c.4751_4753delinsCGG on transcript NM_000093.5 (MANE Select); coding-DNA positions 4751 to 4753, GGC replaced by CGG.
Protein change: p.Arg1584_Arg1585delinsProGly.
Molecular consequence: missense variant.
Genome position (GRCh38, 1-based): chr9:134,824,652-134,824,654, GGC replaced by CGG. VCF-style: chr9-134824652-GGC-CGG. GRCh37 (hg19) VCF-style: chr9-137716498-GGC-CGG.
Other names: c.4751_4753delinsCGG, p.Arg1584_Arg1585delinsProGly (NM_001278074.1).
Identifiers: ClinVar variation 4526283 (VCV004526283.1).
Genomic context (GRCh38, chr9:134,824,652, plus strand): 5'-TCCCCCAGGGCCCCCCGGGAGAGGTCATCCAGCCCCTGCCAATCCAGGCATCCAGGACGC[GGC>CGG]GGAACATCGACGCCAGCCAGCTGCTGGACGACGGGAATGGCGAGAACTACGTGGACTACG-3'

ClinVar aggregate classification (germline): Uncertain significance (1 of 4 stars; one submission).

Submission:

Women's Health and Genetics/Laboratory Corporation of America, LabCorp
Classification: Uncertain significance. Last evaluated: 2025-07-22. Review status: criteria provided, single submitter. Criteria: LabCorp Variant Classification Summary - May 2015. Collection method: clinical testing. Allele origin: germline.
Comment: Variant summary: COL5A1 c.4751_4753delinsCGG (p.Arg1584_Arg1585delinsProGly) results in an in-frame deletion-insertion that is predicted to delete two amino acids from the protein and also cause changes in two amino acids. The variant was absent in 250620 control chromosomes (gnomAD). The available data on variant occurrences in the general population are insufficient to allow any conclusion about variant significance. To our knowledge, no occurrence of c.4751_4753delinsCGG in individuals affected with Ehlers-Danlos syndrome, classic type, Ehlers-Danlos syndrome, classic type, 1 and no experimental evidence demonstrating its impact on protein function have been reported. No submitters have cited clinical-significance assessments for this variant to ClinVar. Based on the evidence outlined above, the variant was classified as uncertain significance.